The following is an entry in ClinVar:

ClinVar aggregate classification (germline): Conflicting classifications of pathogenicity. Review status: criteria provided, conflicting classifications (1 of 4 stars). 7 submissions from 7 submitters: Uncertain significance (1); Likely benign (6). Last evaluated 2026-01-26.

Conditions:
Aortic aneurysm, familial thoracic 4 (AAT4). Also called: AORTIC ANEURYSM/AORTIC DISSECTION AND PATENT DUCTUS ARTERIOSUS. Identifiers: MedGen C1851504, MONDO:0007568, OMIM 132900.
Familial thoracic aortic aneurysm and aortic dissection (TAAD). Also called: Thoracic aortic aneurysms and dissections. Identifiers: Orphanet 91387, MedGen C4707243, MONDO:0019625.

Allele frequency attached by ClinVar (database versions not stated): gnomAD exomes 0.00008 and 0.00020; ExAC 0.00010; TOPMed 0.00011; gnomAD 0.00013 and 0.00014.
gnomAD v4.1: 311 of 1,608,002 alleles (0.019%); highest among the groups gnomAD compares: Non-Finnish European, 0.026%; no homozygotes.

Submissions (7):

Labcorp Genetics (formerly Invitae), Labcorp
Classification: Likely benign for Aortic aneurysm, familial thoracic 4. Last evaluated: 2026-01-26. Review status: criteria provided, single submitter. Criteria: Invitae Variant Classification Sherloc (09022015). Collection method: clinical testing. Allele origin: germline.

Blueprint Genetics
Classification: Likely benign. Last evaluated: 2024-07-29. Review status: criteria provided, single submitter. Criteria: ACMG Guidelines, 2015. Collection method: clinical testing. Allele origin: germline.

All of Us Research Program, National Institutes of Health
Classification: Likely benign for Familial thoracic aortic aneurysm and aortic dissection. Last evaluated: 2024-01-11. Review status: criteria provided, single submitter. Criteria: ACMG Guidelines, 2015. Collection method: clinical testing. Allele origin: germline. Inheritance: Autosomal dominant inheritance. Observed: 27 variant alleles, 27 heterozygotes.
Comment: This study involves interpretation of variants in research participants for the purpose of population health screening. Participant phenotype was not available at the time of variant classification. Additional details can be found in publication PMID: 35346344, PMCID: PMC8962531

Ambry Genetics
Classification: Likely benign for Familial thoracic aortic aneurysm and aortic dissection. Last evaluated: 2022-03-25. Review status: criteria provided, single submitter. Criteria: Ambry Variant Classification Scheme 2023. Collection method: clinical testing. Allele origin: germline.

GeneDx
Classification: Likely benign. Last evaluated: 2021-03-16. Review status: criteria provided, single submitter. Criteria: GeneDx Variant Classification Process June 2021. Collection method: clinical testing. Allele origin: germline. Affected: yes.

Color Diagnostics, LLC DBA Color Health
Classification: Likely benign for Familial thoracic aortic aneurysm and aortic dissection. Last evaluated: 2018-10-30. Review status: criteria provided, single submitter. Criteria: ACMG Guidelines, 2015. Collection method: clinical testing. Allele origin: germline.

Illumina Laboratory Services, Illumina
Classification: Uncertain significance for Aortic aneurysm, familial thoracic 4. Last evaluated: 2018-01-12. Review status: criteria provided, single submitter. Criteria: ICSL Variant Classification Criteria 13 December 2019. Collection method: clinical testing. Allele origin: germline.

NM_002474.3(MYH11):c.5247G>A (p.Gln1749=)

Genes: MYH11 (myosin heavy chain 11; minus strand), NDE1 (nudE neurodevelopment protein 1; plus strand). Cytogenetic location: 16p13.11.
Variant type: single nucleotide variant.
Coding change: c.5247G>A on transcript NM_002474.3 (MANE Select); coding-DNA position 5247, G replaced by A.
Protein change: p.Gln1749=; no amino-acid change (glutamine 1749 retained).
Molecular consequence: synonymous variant. On other transcripts: intron variant (2).
Genome position (GRCh38, 1-based): chr16:15,718,363, C>T on the plus strand (G>A on the coding strand, the complement: MYH11 is on the minus strand). VCF-style: chr16-15718363-C-T. GRCh37 (hg19) VCF-style: chr16-15812220-C-T.
Other names: c.5268G>A, p.Gln1756= (NM_001040113.2, NM_001040114.2); c.5247G>A, p.Gln1749= (NM_022844.3); c.948-5828C>T (NM_001143979.2, NM_017668.3).
Identifiers: ClinVar variation 318100 (VCV000318100.26), dbSNP rs757501817, ClinGen allele CA7921355.
Genomic context (GRCh38, chr16:15,718,363, plus strand): 5'-GGCGGCCCTCACCTGCTGTGTGGCTTTGCGGACCCGGTCGCTCATGGCCTCCATGTTGCC[C>T]TGCTCCTCCTCCAGCTCCTCCTCCAGCTGGGCGATCCGGGCCTCCAGGCGGCGCTTCTCG-3'
Protein context (NP_002465.1, residues 1739-1759): AQLEEELEEE[Gln1749=]GNMEAMSDRV